The following is an entry in ClinVar:

ClinVar aggregate classification (germline): Uncertain significance (1 of 4 stars; one submission).

Conditions:
Isolated microphthalmia 5. Also called: Posterior Microphthalmia with Retinitis Pigmentosa, Foveoschisis, and Optic Disc Drusen. Identifiers: Orphanet 251279, MedGen C1970236, MONDO:0012605, OMIM 611040.

Submission:

Labcorp Genetics (formerly Invitae), Labcorp
Classification: Uncertain significance for Isolated microphthalmia 5. Last evaluated: 2022-08-22. Review status: criteria provided, single submitter. Criteria: Invitae Variant Classification Sherloc (09022015). Collection method: clinical testing. Allele origin: germline.
Comment: This sequence change replaces alanine, which is neutral and non-polar, with threonine, which is neutral and polar, at codon 181 of the MFRP protein (p.Ala181Thr). Information on the frequency of this variant in the gnomAD database is not available, as this variant may be reported differently in the database. This variant has not been reported in the literature in individuals affected with MFRP-related conditions. Experimental studies and prediction algorithms are not available or were not evaluated, and the functional significance of this variant is currently unknown. In summary, the available evidence is currently insufficient to determine the role of this variant in disease. Therefore, it has been classified as a Variant of Uncertain Significance.

NM_031433.4(MFRP):c.540_541inv (p.Ala181Thr)

Genes: C1QTNF5 (C1q and TNF related 5; minus strand), MFRP (membrane frizzled-related protein; minus strand). Cytogenetic location: 11q23.3.
Variant type: Inversion.
Coding change: c.540_541inv on transcript NM_031433.4 (MANE Select).
Protein change: p.Ala181Thr; replaces alanine 181 with threonine.
Molecular consequence: missense variant. On other transcripts: 5 prime UTR variant (1).
Genome position: GRCh38 VCF-style: chr11-119345520-CA-TG. GRCh37 (hg19) VCF-style: chr11-119216230-CA-TG.
Other names: c.-2097_-2096inv (NM_015645.5); short protein forms A181T.
Identifiers: ClinVar variation 2198971 (VCV002198971.2), ClinGen allele CA2580083725.
Genomic context (GRCh38, chr11:119,345,520, plus strand): 5'-GATCAAAAAGGCAAGAGGCCACACTCTCTATGCTGAGGGCTTCGATCTTGAGCTGTATTG[CA>TG]TGGTCTGTGGCCACCTGGATATGCCACACGCAGTGGGTGTTGGGGGGGTAAGGGTCTGGG-3'
Protein context (NP_113621.1, residues 171-191): VWHIQVATDH[Ala181Thr]IQLKIEALSI